The following is an entry in ClinVar:

ClinVar aggregate classification (germline): Uncertain significance. Review status: criteria provided, multiple submitters, no conflicts (2 of 4 stars). 2 submissions from 2 submitters: Uncertain significance (2). Last evaluated 2026-01-25.

Conditions:
Hereditary cancer-predisposing syndrome. Also called: Hereditary Cancer Syndrome; Hereditary neoplastic syndrome; Neoplastic Syndromes, Hereditary; Tumor predisposition. Identifiers: Orphanet 140162, MedGen C0027672, MeSH D009386, MONDO:0015356.
Rhabdoid tumor predisposition syndrome 2 (RTPS2). Identifiers: Orphanet 231108, Orphanet 69077, MedGen C2750074, MONDO:0013224, OMIM 613325.

Submissions (2):

Labcorp Genetics (formerly Invitae), Labcorp
Classification: Uncertain significance for Rhabdoid tumor predisposition syndrome 2. Last evaluated: 2026-01-25. Review status: criteria provided, single submitter. Criteria: Invitae Variant Classification Sherloc (09022015). Collection method: clinical testing. Allele origin: germline.
Comment: This sequence change replaces arginine, which is basic and polar, with glutamine, which is neutral and polar, at codon 1477 of the SMARCA4 protein (p.Arg1477Gln). This variant is not present in population databases (gnomAD no frequency). This variant has not been reported in the literature in individuals affected with SMARCA4-related conditions. ClinVar contains an entry for this variant (Variation ID: 408618). Invitae Evidence Modeling of protein sequence and biophysical properties (such as structural, functional, and spatial information, amino acid conservation, physicochemical variation, residue mobility, and thermodynamic stability) indicates that this missense variant is expected to disrupt SMARCA4 protein function with a positive predictive value of 95%. In summary, the available evidence is currently insufficient to determine the role of this variant in disease. Therefore, it has been classified as a Variant of Uncertain Significance.

Ambry Genetics
Classification: Uncertain significance for Hereditary cancer-predisposing syndrome. Last evaluated: 2025-05-05. Review status: criteria provided, single submitter. Criteria: Ambry Variant Classification Scheme 2023. Collection method: clinical testing. Allele origin: germline.
Comment: The p.R1477Q variant (also known as c.4430G>A), located in coding exon 30 of the SMARCA4 gene, results from a G to A substitution at nucleotide position 4430. The arginine at codon 1477 is replaced by glutamine, an amino acid with highly similar properties. This amino acid position is conserved. In addition, this alteration is predicted to be tolerated by in silico analysis. Based on the available evidence, the clinical significance of this variant remains unclear.

NM_003072.5(SMARCA4):c.4334G>A (p.Arg1445Gln)

Gene: SMARCA4 (SWI/SNF related BAF chromatin remodeling complex subunit ATPase 4; plus strand). Cytogenetic location: 19p13.2.
Variant type: single nucleotide variant.
Coding change: c.4334G>A on transcript NM_003072.5 (MANE Select); coding-DNA position 4334, G replaced by A.
Protein change: p.Arg1445Gln; replaces arginine 1445 with glutamine.
Molecular consequence: missense variant. On other transcripts: non-coding transcript variant (1).
Genome position (GRCh38, 1-based): chr19:11,041,470, G>A. VCF-style: chr19-11041470-G-A. GRCh37 (hg19) VCF-style: chr19-11152146-G-A.
Other names: c.4334G>A, p.Arg1445Gln (NM_001128844.3); c.4244G>A, p.Arg1415Gln (NM_001128845.2, NM_001128846.2); c.4235G>A, p.Arg1412Gln (NM_001128847.4, NM_001128848.2, NM_001374457.1); c.4430G>A, p.Arg1477Gln (NM_001128849.3, NM_001387283.1); short protein forms R1477Q, R1412Q, R1445Q, R1415Q.
Identifiers: ClinVar variation 408618 (VCV000408618.9), dbSNP rs1060502068, ClinGen allele CA16615974.